The following is an entry in ClinVar:

ClinVar aggregate classification (germline): Uncertain significance (1 of 4 stars; one submission).

Conditions:
Hereditary sensory and autonomic neuropathy type 7. Also called: Neuropathy, hereditary sensory and autonomic, type VII; HSAN VII. Identifiers: Orphanet 391397, MedGen C3809882, MONDO:0014244, OMIM 615548.
Familial episodic pain syndrome with predominantly lower limb involvement. Also called: Episodic pain syndrome, familial, 3. Identifiers: Orphanet 391384, Orphanet 391392, MedGen C3809899, MONDO:0014247, OMIM 615552.

Allele frequency attached by ClinVar (database versions not stated): gnomAD exomes below 0.00001.
gnomAD v4.1: 1 of 1,614,196 alleles (0.000062%); highest among the groups gnomAD compares: Admixed American, 0.0017%; no homozygotes.

Submission:

Labcorp Genetics (formerly Invitae), Labcorp
Classification: Uncertain significance for Familial episodic pain syndrome with predominantly lower limb involvement; Hereditary sensory and autonomic neuropathy type 7. Last evaluated: 2022-03-20. Review status: criteria provided, single submitter. Criteria: Invitae Variant Classification Sherloc (09022015). Collection method: clinical testing. Allele origin: germline.
Comment: This sequence change replaces serine, which is neutral and polar, with proline, which is neutral and non-polar, at codon 1550 of the SCN11A protein (p.Ser1550Pro). In summary, the available evidence is currently insufficient to determine the role of this variant in disease. Therefore, it has been classified as a Variant of Uncertain Significance. Algorithms developed to predict the effect of missense changes on protein structure and function (SIFT, PolyPhen-2, Align-GVGD) all suggest that this variant is likely to be disruptive. This variant has not been reported in the literature in individuals affected with SCN11A-related conditions. This variant is present in population databases (no rsID available, gnomAD 0.003%).

NM_001349253.2(SCN11A):c.4648T>C (p.Ser1550Pro)

Gene: SCN11A (sodium voltage-gated channel alpha subunit 11; minus strand). Cytogenetic location: 3p22.2.
Variant type: single nucleotide variant.
Coding change: c.4648T>C on transcript NM_001349253.2 (MANE Select); coding-DNA position 4648, T replaced by C.
Protein change: p.Ser1550Pro; replaces serine 1550 with proline.
Molecular consequence: missense variant.
Genome position (GRCh38, 1-based): chr3:38,847,422, A>G on the plus strand (T>C on the coding strand, the complement: SCN11A is on the minus strand). VCF-style: chr3-38847422-A-G. GRCh37 (hg19) VCF-style: chr3-38888913-A-G.
Other names: c.4648T>C, p.Ser1550Pro (NM_014139.3); short protein forms S1550P.
Identifiers: ClinVar variation 1932418 (VCV001932418.5), dbSNP rs1193704215, ClinGen allele CA352163014.